The following is an entry in ClinVar:

NM_000639.3(FASLG):c.802A>T (p.Asn268Tyr)

Gene: FASLG (Fas ligand; plus strand). Cytogenetic location: 1q24.3.
Variant type: single nucleotide variant.
Coding change: c.802A>T on transcript NM_000639.3 (MANE Select); coding-DNA position 802, A replaced by T.
Protein change: p.Asn268Tyr; replaces asparagine 268 with tyrosine.
Molecular consequence: missense variant. On other transcripts: 3 prime UTR variant (1).
Genome position (GRCh38, 1-based): chr1:172,665,972, A>T. VCF-style: chr1-172665972-A-T. GRCh37 (hg19) VCF-style: chr1-172635112-A-T.
Other names: c.*372A>T (NM_001302746.2); short protein forms N268Y.
Identifiers: ClinVar variation 2097652 (VCV002097652.4), dbSNP rs927420749, ClinGen allele CA32979658.
Genomic context (GRCh38, chr1:172,665,972, plus strand): 5'-GTGTTCAATCTTACCAGTGCTGATCATTTATATGTCAACGTATCTGAGCTCTCTCTGGTC[A>T]ATTTTGAGGAATCTCAGACGTTTTTCGGCTTATATAAGCTCTAAGAGAAGCACTTTGGGA-3'
Protein context (NP_000630.1, residues 258-278): YVNVSELSLV[Asn268Tyr]FEESQTFFGL

ClinVar aggregate classification (germline): Uncertain significance (1 of 4 stars; one submission).

Conditions:
Autoimmune lymphoproliferative syndrome type 1. Also called: AUTOIMMUNE LYMPHOPROLIFERATIVE SYNDROME, TYPE I, AUTOSOMAL DOMINANT. Identifiers: Orphanet 3261, MedGen C2717884, MONDO:0011158, OMIM 601859.

Submission:

Labcorp Genetics (formerly Invitae), Labcorp
Classification: Uncertain significance for Autoimmune lymphoproliferative syndrome. Last evaluated: 2022-02-18. Review status: criteria provided, single submitter. Criteria: Invitae Variant Classification Sherloc (09022015). Collection method: clinical testing. Allele origin: germline.
Comment: This sequence change replaces asparagine, which is neutral and polar, with tyrosine, which is neutral and polar, at codon 268 of the FASLG protein (p.Asn268Tyr). This variant is not present in population databases (gnomAD no frequency). This variant has not been reported in the literature in individuals affected with FASLG-related conditions. Algorithms developed to predict the effect of missense changes on protein structure and function (SIFT, PolyPhen-2, Align-GVGD) all suggest that this variant is likely to be tolerated. In summary, the available evidence is currently insufficient to determine the role of this variant in disease. Therefore, it has been classified as a Variant of Uncertain Significance.